The following is an entry in ClinVar:

NM_001077207.4(SEC31A):c.1374C>G (p.Cys458Trp)

Gene: SEC31A (SEC31 homolog A, COPII component; minus strand). Cytogenetic location: 4q21.22.
Variant type: single nucleotide variant.
Coding change: c.1374C>G on transcript NM_001077207.4 (MANE Select); coding-DNA position 1374, C replaced by G.
Protein change: p.Cys458Trp; replaces cysteine 458 with tryptophan.
Molecular consequence: missense variant.
Genome position (GRCh38, 1-based): chr4:82,864,422, G>C on the plus strand (C>G on the coding strand, the complement: SEC31A is on the minus strand). VCF-style: chr4-82864422-G-C. GRCh37 (hg19) VCF-style: chr4-83785575-G-C.
Other names: c.1374C>G, p.Cys458Trp (NM_001077206.4, NM_001077208.4, NM_001300744.3 and 4 more transcripts); c.1359C>G, p.Cys453Trp (NM_001191049.2); c.1374C>G (NM_001318120.1); short protein forms C453W, C458W.
Identifiers: ClinVar variation 1028501 (VCV001028501.2), dbSNP rs966237906, ClinGen allele CA357182717.

ClinVar aggregate classification (germline): Uncertain significance. Review status: criteria provided, multiple submitters, no conflicts (2 of 4 stars). 2 submissions from 2 submitters: Uncertain significance (2). Last evaluated 2025-09-10.

Conditions:
Neurodevelopmental disorder with spastic quadriplegia, optic atrophy, seizures, and structural brain anomalies. Identifiers: MedGen C5231442, MONDO:0032849, OMIM 618651.
Kaya-Barakat-Masson syndrome. Also called: YIF1B-Related Neurodevelopmental Disorder. Identifiers: Orphanet 684240, MedGen C5436856, MONDO:0030878, OMIM 619125.

Submissions (2):

Genomic Medicine Center of Excellence, King Faisal Specialist Hospital and Research Centre
Classification: Uncertain significance for Kaya-Barakat-Masson syndrome. Last evaluated: 2025-09-10. Review status: criteria provided, single submitter. Criteria: ACMG Guidelines, 2015. Collection method: clinical testing. Allele origin: germline.

Baylor Genetics
Classification: Uncertain significance for Neurodevelopmental disorder with spastic quadriplegia, optic atrophy, seizures, and structural brain anomalies. Last evaluated: 2020-11-05. Review status: criteria provided, single submitter. Criteria: ACMG Guidelines, 2015. Collection method: clinical testing. Allele origin: unknown. Affected: yes.
Comment: This variant was determined to be of uncertain significance according to ACMG Guidelines, 2015 [PMID:25741868].